The following is an entry in ClinVar:

ClinVar aggregate classification (germline): Pathogenic (1 of 4 stars; one submission).

Conditions:
Gorlin syndrome. Also called: Nevoid Basal Cell Carcinoma Syndrome; Basal cell nevus syndrome. Identifiers: Orphanet 377, MedGen C0004779, MONDO:0007187.

Submission:

Labcorp Genetics (formerly Invitae), Labcorp
Classification: Pathogenic for Gorlin syndrome. Last evaluated: 2020-06-18. Review status: criteria provided, single submitter. Criteria: Invitae Variant Classification Sherloc (09022015). Collection method: clinical testing. Allele origin: germline.
Comment: Donor and acceptor splice site variants typically lead to a loss of protein function (PMID: 16199547), and loss-of-function variants in PTCH1 are known to be pathogenic (PMID: 16301862, 16419085). For these reasons, this variant has been classified as Pathogenic. Algorithms developed to predict the effect of sequence changes on RNA splicing suggest that this variant may disrupt the consensus splice site, but this prediction has not been confirmed by published transcriptional studies. Disruption of this splice sight has been observed in individual(s) with clinical features of Gorlin syndrome (Invitae). This variant is not present in population databases (ExAC no frequency). This sequence change affects a donor splice site in intron 21 of the PTCH1 gene. It is expected to disrupt RNA splicing and likely results in an absent or disrupted protein product.

Literature cited by the submitters: PubMed 16199547; PubMed 16301862; PubMed 16419085.

NC_000009.12:g.95449841dup

Gene: PTCH1 (patched 1; minus strand). Cytogenetic location: 9q22.32.
Variant type: Duplication.
Genome position: GRCh38 VCF-style: chr9-95449839-A-AC. GRCh37 (hg19) VCF-style: chr9-98212121-A-AC.
Identifiers: ClinVar variation 1068949 (VCV001068949.9), dbSNP rs2136607401, ClinGen allele CA2499220026.